The following is an entry in ClinVar:

NM_021951.3(DMRT1):c.884C>T (p.Pro295Leu)

Gene: DMRT1 (doublesex and mab-3 related transcription factor 1; plus strand). Cytogenetic location: 9p24.3.
Variant type: single nucleotide variant.
Coding change: c.884C>T on transcript NM_021951.3 (MANE Select); coding-DNA position 884, C replaced by T.
Protein change: p.Pro295Leu; replaces proline 295 with leucine.
Molecular consequence: missense variant.
Genome position (GRCh38, 1-based): chr9:916,824, C>T. VCF-style: chr9-916824-C-T. GRCh37 (hg19) VCF-style: chr9-916824-C-T.
Other names: c.410C>T, p.Pro137Leu (NM_001363767.1); short protein forms P137L, P295L.
Identifiers: ClinVar variation 4799692 (VCV004799692.1).

ClinVar aggregate classification (germline): Uncertain significance (1 of 4 stars; one submission).

gnomAD v4.1: 11 of 1,614,050 alleles (0.00068%); highest among the groups gnomAD compares: Admixed American, 0.0017%; no homozygotes.

Submission:

Labcorp Genetics (formerly Invitae), Labcorp
Classification: Uncertain significance. Last evaluated: 2025-07-30. Review status: criteria provided, single submitter. Criteria: Invitae Variant Classification Sherloc (09022015). Collection method: clinical testing. Allele origin: germline.
Comment: This sequence change replaces proline, which is neutral and non-polar, with leucine, which is neutral and non-polar, at codon 295 of the DMRT1 protein (p.Pro295Leu). This variant is not present in population databases (gnomAD no frequency). This missense change has been observed in individual(s) with DMRT1-related conditions (PMID: 10332030). Invitae Evidence Modeling of protein sequence and biophysical properties (such as structural, functional, and spatial information, amino acid conservation, physicochemical variation, residue mobility, and thermodynamic stability) indicates that this missense variant is not expected to disrupt DMRT1 protein function with a negative predictive value of 80%. In summary, the available evidence is currently insufficient to determine the role of this variant in disease. Therefore, it has been classified as a Variant of Uncertain Significance.

Literature cited by the submitters: PubMed 10332030.